The following is an entry in ClinVar:

ClinVar aggregate classification (germline): Uncertain significance (1 of 4 stars; one submission).

Allele frequency attached by ClinVar (database versions not stated): ExAC 0.00002; 1000 Genomes Project 30x 0.00016; 1000 Genomes Project 0.00020.
gnomAD v4.1: 17 of 1,611,078 alleles (0.0011%); highest among the groups gnomAD compares: Non-Finnish European, 0.0014%; no homozygotes.

Submission:

Labcorp Genetics (formerly Invitae), Labcorp
Classification: Uncertain significance. Last evaluated: 2024-01-22. Review status: criteria provided, single submitter. Criteria: Invitae Variant Classification Sherloc (09022015). Collection method: clinical testing. Allele origin: germline.
Comment: This sequence change replaces isoleucine, which is neutral and non-polar, with asparagine, which is neutral and polar, at codon 868 of the CFH protein (p.Ile868Asn). This variant is present in population databases (rs547338983, gnomAD 0.007%). This variant has not been reported in the literature in individuals affected with CFH-related conditions. ClinVar contains an entry for this variant (Variation ID: 1970244). An algorithm developed to predict the effect of missense changes on protein structure and function (PolyPhen-2) suggests that this variant is likely to be tolerated. In summary, the available evidence is currently insufficient to determine the role of this variant in disease. Therefore, it has been classified as a Variant of Uncertain Significance.

NM_000186.4(CFH):c.2603T>A (p.Ile868Asn)

Gene: CFH (complement factor H; plus strand). Cytogenetic location: 1q31.3.
Variant type: single nucleotide variant.
Coding change: c.2603T>A on transcript NM_000186.4 (MANE Select); coding-DNA position 2603, T replaced by A.
Protein change: p.Ile868Asn; replaces isoleucine 868 with asparagine.
Molecular consequence: missense variant.
Genome position (GRCh38, 1-based): chr1:196,737,481, T>A. VCF-style: chr1-196737481-T-A. GRCh37 (hg19) VCF-style: chr1-196706611-T-A.
Other names: short protein forms I868N.
Identifiers: ClinVar variation 1970244 (VCV001970244.5), dbSNP rs547338983, ClinGen allele CA1305700.